The following is an entry in ClinVar:

NM_004387.4(NKX2-5):c.79del (p.Leu27fs)

Gene: NKX2-5 (NK2 homeobox 5; minus strand). Cytogenetic location: 5q35.1.
Variant type: Deletion.
Coding change: c.79del on transcript NM_004387.4 (MANE Select); coding-DNA position 79, one base deleted (C; older notation c.79delC).
Protein change: p.Leu27fs; shifts the reading frame from leucine 27.
Molecular consequence: frameshift variant.
Genome position (GRCh38, 1-based): chr5:173,235,005, G deleted on the plus strand (C on the coding strand, the reverse complement: NKX2-5 is on the minus strand); the first of 2 consecutive G bases (chr5:173,235,005-173,235,006); deleting either gives the same sequence. VCF-style (leftmost placement, unchanged base first): chr5-173235004-AG-A. GRCh37 (hg19) VCF-style: chr5-172662007-AG-A.
Other names: c.79del, p.Leu27fs (NM_001166175.2, NM_001166176.2); short protein forms L27fs.
Identifiers: ClinVar variation 4820527 (VCV004820527.1).

ClinVar aggregate classification (germline): Likely pathogenic (1 of 4 stars; one submission).

Conditions:
Cardiovascular phenotype. Identifiers: MedGen CN230736.

Submission:

Molecular Diagnostic Laboratory for Inherited Cardiovascular Disease, Montreal Heart Institute
Classification: Likely pathogenic for Cardiovascular phenotype. Last evaluated: 2026-02-18. Review status: criteria provided, single submitter. Criteria: ACMG Guidelines, 2015. Collection method: clinical testing. Allele origin: germline. Affected: yes.
Comment: PVS1, PM2